The following is an entry in ClinVar:

NM_000377.3(WAS):c.57G>C (p.Gln19His)

Gene: WAS (WASP actin nucleation promoting factor; plus strand). Cytogenetic location: Xp11.23.
Variant type: single nucleotide variant.
Coding change: c.57G>C on transcript NM_000377.3 (MANE Select); coding-DNA position 57, G replaced by C.
Protein change: p.Gln19His; replaces glutamine 19 with histidine.
Molecular consequence: missense variant.
Genome position (GRCh38, 1-based): chrX:48,683,910, G>C. VCF-style: chrX-48683910-G-C. GRCh37 (hg19) VCF-style: chrX-48542299-G-C.
Other names: p.Gln19His; c.57G>C, p.Gln19His (NM_001438876.1, NM_001438877.1, NM_001438878.1 and 1 more transcripts); short protein forms Q19H.
Identifiers: ClinVar variation 4542484 (VCV004542484.2).

ClinVar aggregate classification (germline): Uncertain significance. Review status: criteria provided, multiple submitters, no conflicts (2 of 4 stars). 2 submissions from 2 submitters: Uncertain significance (2). Last evaluated 2025-12-12.

Conditions:
X-linked severe congenital neutropenia (SCNX). Identifiers: Orphanet 86788, MedGen C1845987, MONDO:0010294, OMIM 300299.
Thrombocytopenia 1. Also called: X-Linked Thrombocytopenia (XLT); X-linked thrombocytopenia with normal platelets; THROMBOCYTOPENIA, X-LINKED, 1. Identifiers: Orphanet 268322, Orphanet 852, MedGen C1839163, MONDO:0010743, OMIM 313900.
Wiskott-Aldrich syndrome (WAS). Also called: ALDRICH SYNDROME; IMMUNODEFICIENCY 2; WISKOTT-ALDRICH SYNDROME 1; Wiskott-aldrich syndrome, somatic. Identifiers: Orphanet 906, MedGen C0043194, MONDO:0010518, OMIM 301000.

gnomAD v4.1: 1 of 1,211,746 alleles (0.000083%); highest among the groups gnomAD compares: South Asian, 0.0018%; no homozygotes.

Submissions (2):

Mayo Clinic Laboratories, Mayo Clinic
Classification: Uncertain significance. Last evaluated: 2025-12-12. Review status: criteria provided, single submitter. Criteria: ACMG Guidelines, 2015. Collection method: clinical testing. Allele origin: germline. Observed: 1 variant allele.
Comment: PM2_supporting

Labcorp Genetics (formerly Invitae), Labcorp
Classification: Uncertain significance for Wiskott-Aldrich syndrome; X-linked severe congenital neutropenia; Thrombocytopenia 1. Last evaluated: 2025-09-09. Review status: criteria provided, single submitter. Criteria: Invitae Variant Classification Sherloc (09022015). Collection method: clinical testing. Allele origin: germline.
Comment: This sequence change replaces glutamine, which is neutral and polar, with histidine, which is basic and polar, at codon 19 of the WAS protein (p.Gln19His). This variant is not present in population databases (gnomAD no frequency). This variant has not been reported in the literature in individuals affected with WAS-related conditions. Invitae Evidence Modeling of protein sequence and biophysical properties (such as structural, functional, and spatial information, amino acid conservation, physicochemical variation, residue mobility, and thermodynamic stability) indicates that this missense variant is not expected to disrupt WAS protein function with a negative predictive value of 80%. Algorithms developed to predict the effect of sequence changes on RNA splicing suggest that this variant may create or strengthen a splice site. In summary, the available evidence is currently insufficient to determine the role of this variant in disease. Therefore, it has been classified as a Variant of Uncertain Significance.